The following is an entry in ClinVar:

ClinVar aggregate classification (germline): Benign. Review status: criteria provided, multiple submitters, no conflicts (2 of 4 stars). 4 submissions from 4 submitters: Benign (4). Last evaluated 2021-07-15.

Conditions:
Spermatogenic failure 43. Identifiers: MedGen C5231490, MONDO:0032898, OMIM 618751.

Allele frequency attached by ClinVar (database versions not stated): gnomAD exomes 0.56587 and 0.60310; ESP Exome Variant Server 0.59196; gnomAD 0.59301 and 0.59781; ExAC 0.60123; TOPMed 0.61305; 1000 Genomes Project 30x 0.67708; 1000 Genomes Project 0.67712.
gnomAD v4.1: 918,115 of 1,612,478 alleles (57%); highest among the groups gnomAD compares: East Asian, 76%; 265,181 homozygotes.

Submissions (4):

Genome-Nilou Lab
Classification: Benign for Spermatogenic failure 43. Last evaluated: 2021-07-15. Review status: criteria provided, single submitter. Criteria: ACMG Guidelines, 2015. Collection method: clinical testing. Allele origin: germline. Affected: no.

GeneDx
Classification: Benign. Last evaluated: 2021-05-04. Review status: criteria provided, single submitter. Criteria: GeneDx Variant Classification Process June 2021. Collection method: clinical testing. Allele origin: germline. Affected: yes.

Laboratory for Molecular Medicine, Mass General Brigham Personalized Medicine
Classification: Benign. Last evaluated: 2016-03-29. Review status: criteria provided, single submitter. Criteria: LMM Criteria. Collection method: clinical testing. Allele origin: germline.
Comment: Variant identified in a genome or exome case(s) and assessed due to predicted null impact of the variant or pathogenic assertions in the literature or databases. Disclaimer: This variant has not undergone full assessment. The following are preliminary notes: Frequency

Breakthrough Genomics
Classification: Benign. Review status: criteria provided, single submitter. Criteria: ACMG Guidelines, 2015. Collection method: not provided. Allele origin: germline. Inheritance: Autosomal recessive inheritance. Affected: yes.

NM_024867.4(SPEF2):c.861C>T (p.Asp287=)

Gene: SPEF2 (sperm flagellar 2; plus strand). Cytogenetic location: 5p13.2.
Variant type: single nucleotide variant.
Coding change: c.861C>T on transcript NM_024867.4 (MANE Select); coding-DNA position 861, C replaced by T.
Protein change: p.Asp287=; no amino-acid change (aspartic acid 287 retained).
Molecular consequence: synonymous variant.
Genome position (GRCh38, 1-based): chr5:35,654,609, C>T. VCF-style: chr5-35654609-C-T. GRCh37 (hg19) VCF-style: chr5-35654711-C-T.
Other names: c.861C>T, p.Asp287= (NM_144722.4).
Identifiers: ClinVar variation 403473 (VCV000403473.8), dbSNP rs2270558, ClinGen allele CA3230298.